The following is an entry in ClinVar:

ClinVar aggregate classification (germline): Conflicting classifications of pathogenicity. Review status: criteria provided, conflicting classifications (1 of 4 stars). 7 submissions from 7 submitters: Pathogenic (5); Likely pathogenic (1); Uncertain significance (1). Last evaluated 2026-01-29.

Conditions:
Autosomal recessive limb-girdle muscular dystrophy type 2A (LGMDR1). Also called: LEYDEN-MOEBIUS MUSCULAR DYSTROPHY; MUSCULAR DYSTROPHY, PELVOFEMORAL; Limb-girdle muscular dystrophy, type 2A; Calpainopathy; Muscular dystrophy, limb-girdle, type 2A, Amish. Identifiers: Orphanet 267, MedGen C1869123, MONDO:0009675, OMIM 253600. Disease mechanism: loss of function.
Muscular dystrophy, limb-girdle, autosomal dominant 4. Also called: Calpain-3-related limb-girdle muscular dystrophy D4; MUSCULAR DYSTROPHY, LIMB-GIRDLE, TYPE 1I. Identifiers: Orphanet 565909, MedGen C4748295, MONDO:0029133, OMIM 618129.

Submissions (7):

Natera, Inc.
Classification: Pathogenic for Limb-girdle muscular dystrophy type 2A. Last evaluated: 2026-01-29. Review status: criteria provided, single submitter. Criteria: Natera Variant Classification Schema (03/2026). Collection method: clinical testing. Allele origin: germline.
Comment: The c.1771delG variant in CAPN3 is a frameshift variant predicted to shift the reading frame beginning at codon 591 and leads to a stop codon 4 codons downstream. This variant is expected to result in nonsense mediated decay, truncation, or a dysfunctional protein product. This variant is rare in the general population with a frequency below the threshold expected for the associated phenotype(s). This variant has been observed in one or more individuals affected with the associated recessive disease, as either homozygous or compound heterozygous with a second variant (PMID: 39678382). Given the available evidence, this variant is classified as Pathogenic.

CeGaT Center for Human Genetics Tuebingen
Classification: Pathogenic. Last evaluated: 2025-09-01. Review status: criteria provided, single submitter. Criteria: CeGaT Center For Human Genetics Tuebingen Variant Classification Criteria Version 2. Collection method: clinical testing. Allele origin: germline. Affected: yes. Observed: 1 variant allele.
Comment: CAPN3: PVS1, PM2

GeneDx
Classification: Uncertain significance. Last evaluated: 2024-12-22. Review status: criteria provided, single submitter. Criteria: GeneDx Variant Classification Process June 2021. Collection method: clinical testing. Allele origin: germline. Affected: yes.
Comment: Frameshift variant predicted to result in protein truncation or nonsense mediated decay in a gene for which loss of function is a known mechanism of disease; Has not been previously published as pathogenic or benign to our knowledge; This variant is associated with the following publications: (PMID: 34628793)

Labcorp Genetics (formerly Invitae), Labcorp
Classification: Pathogenic for Autosomal recessive limb-girdle muscular dystrophy type 2A. Last evaluated: 2024-11-05. Review status: criteria provided, single submitter. Criteria: Invitae Variant Classification Sherloc (09022015). Collection method: clinical testing. Allele origin: germline.
Comment: This sequence change creates a premature translational stop signal (p.Asp591Ilefs*4) in the CAPN3 gene. It is expected to result in an absent or disrupted protein product. Loss-of-function variants in CAPN3 are known to be pathogenic (PMID: 10330340, 15689361). This variant is present in population databases (rs754761503, gnomAD 0.02%). This variant has not been reported in the literature in individuals affected with CAPN3-related conditions. ClinVar contains an entry for this variant (Variation ID: 578891). For these reasons, this variant has been classified as Pathogenic.

Revvity Omics, Revvity
Classification: Likely pathogenic. Last evaluated: 2024-09-22. Review status: criteria provided, single submitter. Criteria: ACMG Guidelines, 2015. Collection method: clinical testing. Allele origin: germline.

Baylor Genetics
Classification: Pathogenic for Muscular dystrophy, limb-girdle, autosomal dominant 4. Last evaluated: 2023-06-15. Review status: criteria provided, single submitter. Criteria: ACMG Guidelines, 2015. Collection method: clinical testing. Allele origin: unknown.

Eurofins Ntd Llc (ga)
Classification: Pathogenic. Last evaluated: 2018-03-23. Review status: criteria provided, single submitter. Criteria: EGL ClinVar v180209 classification definitions. Collection method: clinical testing. Allele origin: germline. Observed: 1 variant allele, 1 heterozygote.

Literature cited by the submitters: PubMed 39678382 (cited by Natera, Inc.); PubMed 10330340 (cited by Labcorp Genetics (formerly Invitae), Labcorp); PubMed 15689361 (cited by Labcorp Genetics (formerly Invitae), Labcorp).

NM_000070.3(CAPN3):c.1771del (p.Asp591fs)

Gene: CAPN3 (calpain 3; plus strand). Cytogenetic location: 15q15.1.
Variant type: Deletion.
Coding change: c.1771del on transcript NM_000070.3 (MANE Select); coding-DNA position 1771, one base deleted (G; older notation c.1771delG).
Protein change: p.Asp591fs; shifts the reading frame from aspartic acid 591.
Molecular consequence: frameshift variant.
Genome position (GRCh38, 1-based): chr15:42,403,766, G deleted; the last of 2 consecutive G bases (chr15:42,403,765-42,403,766); deleting either gives the same sequence. VCF-style (leftmost placement, unchanged base first): chr15-42403764-TG-T. GRCh37 (hg19) VCF-style: chr15-42695962-TG-T.
Other names: c.1771del, p.Asp591fs (NM_024344.2); c.1627del, p.Asp543fs (NM_173087.2); c.235del, p.Asp79fs (NM_173088.2); c.1771del (NM_000070.2); short protein forms D591fs, D79fs, D543fs.
Identifiers: ClinVar variation 578891 (VCV000578891.24), dbSNP rs754761503, ClinGen allele CA7511497.
Genomic context (GRCh38, chr15:42,403,764, plus strand): 5'-GTGACACTGAGACCCCACATGTCTGTATTCCTCACAGGGAAGTTGAAAATACCATCTCCG[TG>T]GATCGGCCAGTGGTGAGTGGTTTAGATCTTCTGTGCGAAAAGTCCAGAGGGTCCCCTTCC-3'